The following is an entry in ClinVar:

ClinVar aggregate classification (germline): Benign/Likely benign. Review status: criteria provided, multiple submitters, no conflicts (2 of 4 stars). 3 submissions from 3 submitters: Benign (1); Likely benign (2). Last evaluated 2026-01-05.

Conditions:
SON-related disorder. Also called: SON-related condition.
Intellectual disability. Also called: Intellectual developmental disorder; Intellectual functioning disability; intellectual disabilities. Identifiers: MedGen C3714756, MeSH D008607, MONDO:0001071, HP:0001249.

Allele frequency attached by ClinVar (database versions not stated): 1000 Genomes Project 30x 0.00016; 1000 Genomes Project 0.00040; gnomAD 0.00044; ESP Exome Variant Server 0.00046; TOPMed 0.00048; ExAC 0.00051.

Submissions (3):

Labcorp Genetics (formerly Invitae), Labcorp
Classification: Benign. Last evaluated: 2026-01-05. Review status: criteria provided, single submitter. Criteria: Invitae Variant Classification Sherloc (09022015). Collection method: clinical testing. Allele origin: germline.

PreventionGenetics, part of Exact Sciences
Classification: Likely benign for SON-related condition. Last evaluated: 2024-12-15. Review status: criteria provided, single submitter. Criteria: ACMG Guidelines, 2015. Collection method: clinical testing. Allele origin: germline.
Comment: This variant is classified as likely benign based on ACMG/AMP sequence variant interpretation guidelines (Richards et al. 2015 PMID: 25741868, with internal and published modifications).

Cambridge Genomics Laboratory, East Genomic Laboratory Hub, NHS Genomic Medicine Service
Classification: Likely benign for Intellectual disability. Last evaluated: 2020-04-27. Review status: criteria provided, single submitter. Criteria: ACGS Best Practice Guidelines for Variant Classification in Rare Disease 2020. Collection method: clinical testing. Allele origin: germline. Affected: yes. Observed: 1 variant allele.

NM_138927.4(SON):c.2443A>C (p.Met815Leu)

Gene: SON (SON DNA and RNA binding protein; plus strand). Cytogenetic location: 21q22.11.
Variant type: single nucleotide variant.
Coding change: c.2443A>C on transcript NM_138927.4 (MANE Select); coding-DNA position 2443, A replaced by C.
Protein change: p.Met815Leu; replaces methionine 815 with leucine.
Molecular consequence: missense variant. On other transcripts: non-coding transcript variant (1), intron variant (1).
Genome position (GRCh38, 1-based): chr21:33,551,674, A>C. VCF-style: chr21-33551674-A-C. GRCh37 (hg19) VCF-style: chr21-34923980-A-C.
Other names: c.2443A>C, p.Met815Leu (NM_001291411.2, NM_001412133.1, NM_032195.3 and 2 more transcripts); c.244+5295A>C (NM_001291412.3); c.2443A>C (NM_138927.2); short protein forms M815L.
Identifiers: ClinVar variation 2045544 (VCV002045544.6), dbSNP rs148953889, ClinGen allele CA10009105.